The following is an entry in ClinVar:

NM_004171.4(SLC1A2):c.1065G>C (p.Trp355Cys)

Gene: SLC1A2 (solute carrier family 1 member 2; minus strand). Cytogenetic location: 11p13.
Variant type: single nucleotide variant.
Coding change: c.1065G>C on transcript NM_004171.4 (MANE Select); coding-DNA position 1065, G replaced by C.
Protein change: p.Trp355Cys; replaces tryptophan 355 with cysteine.
Molecular consequence: missense variant. On other transcripts: intron variant (1).
Genome position (GRCh38, 1-based): chr11:35,292,313, C>G on the plus strand (G>C on the coding strand, the complement: SLC1A2 is on the minus strand). VCF-style: chr11-35292313-C-G. GRCh37 (hg19) VCF-style: chr11-35313860-C-G.
Other names: c.1038G>C, p.Trp346Cys (NM_001195728.3, NM_001252652.2, NM_001439341.1); c.1053G>C, p.Trp351Cys (NM_001439342.1); c.858-5362G>C (NM_001439343.1); short protein forms W351C, W355C, W346C.
Identifiers: ClinVar variation 4983840 (VCV004983840.1).

ClinVar aggregate classification (germline): Uncertain significance (1 of 4 stars; one submission).

Conditions:
SLC1A2-related disorder. Also called: SLC1A2-related condition.

Submission:

PreventionGenetics, part of Exact Sciences
Classification: Uncertain significance for SLC1A2-related condition. Last evaluated: 2024-11-14. Review status: criteria provided, single submitter. Criteria: ACMG Guidelines, 2015. Collection method: clinical testing. Allele origin: germline.
Comment: The SLC1A2 c.1065G>C variant is predicted to result in the amino acid substitution p.Trp355Cys. To our knowledge, this variant has not been reported in the literature or in a large population database (gnomAD), indicating this variant is rare. At this time, the clinical significance of this variant is uncertain due to the absence of conclusive functional and genetic evidence.